The following is an entry in ClinVar:

ClinVar aggregate classification (germline): Likely benign. Review status: criteria provided, multiple submitters, no conflicts (2 of 4 stars). 3 submissions from 3 submitters: Likely benign (2). 1 of the submissions does not count toward it. Last evaluated 2024-10-29.

Conditions:
RGR-related disorder. Also called: RGR-related condition.

Allele frequency attached by ClinVar (database versions not stated): gnomAD exomes 0.00001; TOPMed 0.00001.

Submissions (3):

Labcorp Genetics (formerly Invitae), Labcorp
Classification: Likely benign. Last evaluated: 2024-10-29. Review status: criteria provided, single submitter. Criteria: Invitae Variant Classification Sherloc (09022015). Collection method: clinical testing. Allele origin: germline.

Blueprint Genetics
Classification: Likely benign. Last evaluated: 2024-09-25. Review status: criteria provided, single submitter. Criteria: ACMG Guidelines, 2015. Collection method: clinical testing. Allele origin: germline.

PreventionGenetics, part of Exact Sciences
Classification: Likely benign for RGR-related condition. Last evaluated: 2019-08-29. Review status: no assertion criteria provided. Collection method: clinical testing. Allele origin: germline. Not counted in ClinVar's aggregate classification.
Comment: This variant is classified as likely benign based on ACMG/AMP sequence variant interpretation guidelines (Richards et al. 2015 PMID: 25741868, with internal and published modifications).

NM_001012720.2(RGR):c.480A>G (p.Thr160=)

Gene: RGR (retinal G protein coupled receptor; plus strand). Cytogenetic location: 10q23.1.
Variant type: single nucleotide variant.
Coding change: c.480A>G on transcript NM_001012720.2 (MANE Select); coding-DNA position 480, A replaced by G.
Protein change: p.Thr160=; no amino-acid change (threonine 160 retained).
Molecular consequence: synonymous variant.
Genome position (GRCh38, 1-based): chr10:84,252,978, A>G. VCF-style: chr10-84252978-A-G. GRCh37 (hg19) VCF-style: chr10-86012734-A-G.
Other names: c.480A>G, p.Thr160= (NM_001012722.2); c.492A>G, p.Thr164= (NM_002921.4); c.480A>G (NM_001012720.1).
Identifiers: ClinVar variation 1935064 (VCV001935064.8), dbSNP rs1175375539, ClinGen allele CA470513452.
Genomic context (GRCh38, chr10:84,252,978, plus strand): 5'-CTTCTGGGCAGCTCTGCCCCTTCTGGGTTGGGGTCACTACGACTATGAGCCACTGGGGAC[A>G]TGCTGCACCCTGGACTACTCCAAGGGGGACAGGTGAGGTGGGAGGAGCAGCTTCGAGGCT-3'
Protein context (NP_001012738.1, residues 150-170): WGHYDYEPLG[Thr160=]CCTLDYSKGD